The following is an entry in ClinVar:

NM_002471.4(MYH6):c.1513G>C (p.Glu505Gln)

Gene: MYH6 (myosin heavy chain 6; minus strand). Cytogenetic location: 14q11.2.
Variant type: single nucleotide variant.
Coding change: c.1513G>C on transcript NM_002471.4 (MANE Select); coding-DNA position 1513, G replaced by C.
Protein change: p.Glu505Gln; replaces glutamic acid 505 with glutamine.
Molecular consequence: missense variant.
Genome position (GRCh38, 1-based): chr14:23,400,324, C>G on the plus strand (G>C on the coding strand, the complement: MYH6 is on the minus strand). VCF-style: chr14-23400324-C-G. GRCh37 (hg19) VCF-style: chr14-23869533-C-G.
Other names: short protein forms E505Q.
Identifiers: ClinVar variation 2794514 (VCV002794514.3), dbSNP rs2502191564, ClinGen allele CA389022573.

ClinVar aggregate classification (germline): Uncertain significance (1 of 4 stars; one submission).

Conditions:
Hypertrophic cardiomyopathy 14. Identifiers: MedGen C2750467, MONDO:0013197, OMIM 613251.

Submission:

Labcorp Genetics (formerly Invitae), Labcorp
Classification: Uncertain significance for Hypertrophic cardiomyopathy 14. Last evaluated: 2023-09-03. Review status: criteria provided, single submitter. Criteria: Invitae Variant Classification Sherloc (09022015). Collection method: clinical testing. Allele origin: germline.
Comment: In summary, the available evidence is currently insufficient to determine the role of this variant in disease. Therefore, it has been classified as a Variant of Uncertain Significance. Advanced modeling of protein sequence and biophysical properties (such as structural, functional, and spatial information, amino acid conservation, physicochemical variation, residue mobility, and thermodynamic stability) performed at Invitae indicates that this missense variant is expected to disrupt MYH6 protein function. This variant has not been reported in the literature in individuals affected with MYH6-related conditions. This variant is not present in population databases (gnomAD no frequency). This sequence change replaces glutamic acid, which is acidic and polar, with glutamine, which is neutral and polar, at codon 505 of the MYH6 protein (p.Glu505Gln).